The following is an entry in ClinVar:

NM_030777.4(SLC2A10):c.145T>A (p.Phe49Ile)

Gene: SLC2A10 (solute carrier family 2 member 10; plus strand). Cytogenetic location: 20q13.12.
Variant type: single nucleotide variant.
Coding change: c.145T>A on transcript NM_030777.4 (MANE Select); coding-DNA position 145, T replaced by A.
Protein change: p.Phe49Ile; replaces phenylalanine 49 with isoleucine.
Molecular consequence: missense variant.
Genome position (GRCh38, 1-based): chr20:46,725,181, T>A. VCF-style: chr20-46725181-T-A. GRCh37 (hg19) VCF-style: chr20-45353820-T-A.
Other names: p.F49I:TTC>ATC; short protein forms F49I.
Identifiers: ClinVar variation 213711 (VCV000213711.2), dbSNP rs863223729, ClinGen allele CA323587.

ClinVar aggregate classification (germline): Uncertain significance (1 of 4 stars; one submission).

Submission:

GeneDx
Classification: Uncertain significance. Last evaluated: 2017-11-03. Review status: criteria provided, single submitter. Criteria: GeneDx Variant Classification (06012015). Collection method: clinical testing. Allele origin: germline. Affected: yes.
Comment: A variant of uncertain significance has been identified in the SLC2A10 gene. The F49I variant has not been published as pathogenic or been reported as benign to our knowledge. The F49I variant is not observed in large population cohorts (Lek et al., 2016). However, the F49I variant is a conservative amino acid substitution, which is not likely to impact secondary protein structure as these residues share similar properties. Furthermore, in-silico analyses, including protein predictors and evolutionary conservation, support that this variant does not alter protein structure/function.